The following is an entry in ClinVar:

ClinVar aggregate classification (germline): Pathogenic. Review status: criteria provided, multiple submitters, no conflicts (2 of 4 stars). 5 submissions from 5 submitters: Pathogenic (5). Last evaluated 2026-01-02.

Conditions:
Inborn genetic diseases. Identifiers: MedGen C0950123, MeSH D030342.
Trichorhinophalangeal dysplasia type I (TRPS1). Also called: TRICHORHINOPHALANGEAL SYNDROME, TYPE I; TRPS I. Identifiers: Orphanet 77258, MedGen C0432233, MONDO:0008596, OMIM 190350.
Trichorhinophalangeal syndrome, type III (TRPS3). Also called: SUGIO-KAJII SYNDROME. Identifiers: Orphanet 77258, MedGen C1860823, OMIM 190351, MONDO:0008597.
TRPS1-related disorder. Also called: TRPS1-related condition.

Allele frequency attached by ClinVar (database versions not stated): gnomAD 0.00001; TOPMed 0.00001.
gnomAD v4.1: 1 of 1,613,560 alleles (0.000062%); highest among the groups gnomAD compares: Non-Finnish European, 0.000085%; no homozygotes.

Submissions (5):

Ambry Genetics
Classification: Pathogenic for Inborn genetic diseases. Last evaluated: 2026-01-02. Review status: criteria provided, single submitter. Criteria: Ambry Variant Classification Scheme 2023. Collection method: clinical testing. Allele origin: germline.
Comment: The c.2086C>T (p.R696*) alteration, located in exon 4 (coding exon 3) of the TRPS1 gene, consists of a C to T substitution at nucleotide position 2086. This changes the amino acid from a arginine (R) to a stop codon at amino acid position 696. This alteration is expected to result in loss of function by premature protein truncation or nonsense-mediated mRNA decay. The Genome Aggregation Database (gnomAD) data for this variant is unreliable due to technical and/or biological issues; therefore, population frequency estimates were not considered. This variant was reported in individual(s) with features consistent with TRPS1-related trichorhinophalangeal syndrome and segregated with disease in at least one family (L&uuml;decke, 2001; Trippella, 2018). In at least one individual, it was determined to be de novo (Dias, 2013). Based on the available evidence, this alteration is classified as pathogenic.

3billion
Classification: Pathogenic for Trichorhinophalangeal dysplasia type I. Last evaluated: 2025-02-06. Review status: criteria provided, single submitter. Criteria: ACMG Guidelines, 2015. Collection method: clinical testing. Allele origin: germline. Affected: yes.
Comment: The variant is observed at an extremely low frequency in the gnomAD v4.1.0 dataset (total allele frequency: <0.001%). Predicted Consequence/Location: Stop-gained (nonsense): predicted to result in a loss or disruption of normal protein function through nonsense-mediated decay (NMD) or protein truncation. Multiple pathogenic variants are reported downstream of the variant. The variant has been reported to be associated with TRPS1-related disorder (ClinVar ID: VCV000574440 /PMID: 11112658). Therefore, this variant is classified as Pathogenic according to the recommendation of ACMG/AMP guideline.

Dasa
Classification: Pathogenic. Last evaluated: 2025-02-05. Review status: criteria provided, single submitter. Criteria: DASA Assertion Criteria. Collection method: clinical testing. Allele origin: germline.
Comment: NM_014112.5(TRPS1):c.2086C>T (p.Arg696*) introduces a premature termination codon predicted to result in loss of normal protein function. Loss-of-function is an established mechanism of disease for this gene. Segregation evidence has been reported in affected families. This variant has been recurrently observed in individuals with related phenotype (PMID: 11112658; PMID: 30458885; PMID: 11950061; PMID: 26540763; PMID: 23691375). The variant is present at low frequency in population datasets. Based on the available data, this variant is classified as pathogenic.

Labcorp Genetics (formerly Invitae), Labcorp
Classification: Pathogenic for Trichorhinophalangeal syndrome, type III; Trichorhinophalangeal dysplasia type I. Last evaluated: 2023-11-01. Review status: criteria provided, single submitter. Criteria: Invitae Variant Classification Sherloc (09022015). Collection method: clinical testing. Allele origin: germline.
Comment: This sequence change creates a premature translational stop signal (p.Arg696*) in the TRPS1 gene. It is expected to result in an absent or disrupted protein product. Loss-of-function variants in TRPS1 are known to be pathogenic (PMID: 11112658). This variant is not present in population databases (gnomAD no frequency). This premature translational stop signal has been observed in individuals with trichorhinophalangeal syndrome (PMID: 11112658, 23691375, 30458885). It has also been observed to segregate with disease in related individuals. ClinVar contains an entry for this variant (Variation ID: 574440). For these reasons, this variant has been classified as Pathogenic.

Blueprint Genetics
Classification: Pathogenic for TRPS1-related disorders. Last evaluated: 2020-01-27. Review status: criteria provided, single submitter. Criteria: ACMG Guidelines, 2015. Collection method: clinical testing. Allele origin: germline. Affected: yes. Observed: 4 variant alleles.

Literature cited by the submitters: PubMed 11112658 (cited by 4 submitters); PubMed 23691375 (cited by 3 submitters); PubMed 30458885 (cited by 3 submitters); PubMed 11950061 (cited by Dasa); PubMed 26540763 (cited by Dasa).

NM_014112.5(TRPS1):c.2086C>T (p.Arg696Ter)

Gene: TRPS1 (transcriptional repressor GATA binding 1; minus strand). Cytogenetic location: 8q23.3.
Variant type: single nucleotide variant.
Coding change: c.2086C>T on transcript NM_014112.5 (MANE Select); coding-DNA position 2086, C replaced by T.
Protein change: p.Arg696Ter; replaces arginine 696 with a stop codon.
Molecular consequence: nonsense.
Genome position (GRCh38, 1-based): chr8:115,603,883, G>A on the plus strand (C>T on the coding strand, the complement: TRPS1 is on the minus strand). VCF-style: chr8-115603883-G-A. GRCh37 (hg19) VCF-style: chr8-116616110-G-A.
Other names: c.2059C>T, p.Arg687Ter (NM_001282902.3); c.2065C>T, p.Arg689Ter (NM_001282903.3); c.2047C>T, p.Arg683Ter (NM_001330599.2); c.2086C>T (NM_014112.2); short protein forms R696*, R687*, R683*, R689*.
Identifiers: ClinVar variation 574440 (VCV000574440.12), dbSNP rs368166434, ClinGen allele CA184614847.
Genomic context (GRCh38, chr8:115,603,883, plus strand): 5'-TCTATTATTTTATTTGTATATTCCTCCCGACCCCACCCCCCATGCCTCACCTGTAGTGTC[G>A]GGAAATCTCTTCTTCCACTTGGGTAATAAAATCACATTTGGTACATGAGTGTTCTTTGCT-3'